The following is an entry in ClinVar:

ClinVar aggregate classification (germline): Uncertain significance. Review status: criteria provided, multiple submitters, no conflicts (2 of 4 stars). 3 submissions from 3 submitters: Uncertain significance (2). 1 of the submissions does not count toward it. Last evaluated 2025-09-05.

Conditions:
LRP2-related disorder. Also called: LRP2-related condition.
Donnai-Barrow syndrome. Also called: DBS/FOAR SYNDROME; FACIOOCULOACOUSTICORENAL SYNDROME. Identifiers: Orphanet 2143, MedGen C1857277, MONDO:0009104, OMIM 222448.

Allele frequency attached by ClinVar (database versions not stated): ExAC 0.00006; TOPMed 0.00009; ESP Exome Variant Server 0.00015.
gnomAD v4.1: 141 of 1,613,994 alleles (0.0087%); highest among the groups gnomAD compares: East Asian, 0.011%; no homozygotes.

Submissions (3):

Labcorp Genetics (formerly Invitae), Labcorp
Classification: Uncertain significance. Last evaluated: 2025-09-05. Review status: criteria provided, single submitter. Criteria: Invitae Variant Classification Sherloc (09022015). Collection method: clinical testing. Allele origin: germline.
Comment: This sequence change replaces aspartic acid, which is acidic and polar, with valine, which is neutral and non-polar, at codon 3404 of the LRP2 protein (p.Asp3404Val). This variant is present in population databases (rs146669420, gnomAD 0.02%). This variant has not been reported in the literature in individuals affected with LRP2-related conditions. ClinVar contains an entry for this variant (Variation ID: 892647). Invitae Evidence Modeling of protein sequence and biophysical properties (such as structural, functional, and spatial information, amino acid conservation, physicochemical variation, residue mobility, and thermodynamic stability) indicates that this missense variant is not expected to disrupt LRP2 protein function with a negative predictive value of 80%. In summary, the available evidence is currently insufficient to determine the role of this variant in disease. Therefore, it has been classified as a Variant of Uncertain Significance.

Illumina Laboratory Services, Illumina
Classification: Uncertain significance for Donnai-Barrow syndrome. Last evaluated: 2018-01-13. Review status: criteria provided, single submitter. Criteria: ICSL Variant Classification Criteria 13 December 2019. Collection method: clinical testing. Allele origin: germline.

PreventionGenetics, part of Exact Sciences
Classification: Uncertain significance for LRP2-related condition. Last evaluated: 2024-09-09. Review status: no assertion criteria provided. Collection method: clinical testing. Allele origin: germline. Not counted in ClinVar's aggregate classification.
Comment: The LRP2 c.10211A>T variant is predicted to result in the amino acid substitution p.Asp3404Val. To our knowledge, this variant has not been reported in the literature. This variant is reported in 0.025% of alleles in individuals of East Asian descent in gnomAD. At this time, the clinical significance of this variant is uncertain due to the absence of conclusive functional and genetic evidence.

NM_004525.3(LRP2):c.10211A>T (p.Asp3404Val)

Gene: LRP2 (LDL receptor related protein 2; minus strand). Cytogenetic location: 2q31.1.
Variant type: single nucleotide variant.
Coding change: c.10211A>T on transcript NM_004525.3 (MANE Select); coding-DNA position 10211, A replaced by T.
Protein change: p.Asp3404Val; replaces aspartic acid 3404 with valine.
Molecular consequence: missense variant.
Genome position (GRCh38, 1-based): chr2:169,177,985, T>A on the plus strand (A>T on the coding strand, the complement: LRP2 is on the minus strand). VCF-style: chr2-169177985-T-A. GRCh37 (hg19) VCF-style: chr2-170034495-T-A.
Other names: short protein forms D3404V.
Identifiers: ClinVar variation 892647 (VCV000892647.8), dbSNP rs146669420, ClinGen allele CA1953398.
Genomic context (GRCh38, chr2:169,177,985, plus strand): 5'-TCTGTCCAATAAATAGTGTCTTCAAAAATGGTAATAGCGAAAGGGTGAGGCAGTGCCCCA[T>A]CATACACCGTGTGTCGATGGTGGCCCTCCAAATCAGAGTACCTGCAGCAGTAAGCAGAAA-3'
Protein context (NP_004516.2, residues 3394-3414): LEGHHRHTVY[Asp3404Val]GALPHPFAIT